The following is an entry in ClinVar:

ClinVar aggregate classification (germline): Uncertain significance (1 of 4 stars; one submission).

gnomAD v4.1: 1 of 1,613,992 alleles (0.000062%); highest among the groups gnomAD compares: Admixed American, 0.0017%; no homozygotes.

Submission:

CeGaT Center for Human Genetics Tuebingen
Classification: Uncertain significance. Last evaluated: 2026-08-01. Review status: criteria provided, single submitter. Criteria: CeGaT Center For Human Genetics Tuebingen Variant Classification Criteria Version 2. Collection method: clinical testing. Allele origin: germline. Affected: yes. Observed: 1 variant allele.
Comment: USP7: PP2

NM_003470.3(USP7):c.1114C>G (p.Gln372Glu)

Gene: USP7 (ubiquitin specific peptidase 7; minus strand). Cytogenetic location: 16p13.2.
Variant type: single nucleotide variant.
Coding change: c.1114C>G on transcript NM_003470.3 (MANE Select); coding-DNA position 1114, C replaced by G.
Protein change: p.Gln372Glu; replaces glutamine 372 with glutamic acid.
Molecular consequence: missense variant. On other transcripts: non-coding transcript variant (1).
Genome position (GRCh38, 1-based): chr16:8,910,792, G>C on the plus strand (C>G on the coding strand, the complement: USP7 is on the minus strand). VCF-style: chr16-8910792-G-C. GRCh37 (hg19) VCF-style: chr16-9004649-G-C.
Other names: c.1066C>G, p.Gln356Glu (NM_001286457.2); c.817C>G, p.Gln273Glu (NM_001286458.2); c.940C>G, p.Gln314Glu (NM_001321858.2); short protein forms Q273E, Q314E, Q356E, Q372E.
Identifiers: ClinVar variation 5040706 (VCV005040706.1).